The following is an entry in ClinVar:

ClinVar aggregate classification (germline): Benign. Review status: criteria provided, multiple submitters, no conflicts (2 of 4 stars). 2 submissions from 2 submitters: Benign (2). Last evaluated 2018-01-13.

Conditions:
Focal segmental glomerulosclerosis 5 (FSGS5). Identifiers: Orphanet 656, MedGen C2750475, MONDO:0013191, OMIM 613237.

Allele frequency attached by ClinVar (database versions not stated): gnomAD 0.00176 and 0.00182; TOPMed 0.00202; 1000 Genomes Project 30x 0.00297; 1000 Genomes Project 0.00300.

Submissions (2):

Illumina Laboratory Services, Illumina
Classification: Benign for Focal segmental glomerulosclerosis 5. Last evaluated: 2018-01-13. Review status: criteria provided, single submitter. Criteria: ICSL Variant Classification Criteria 13 December 2019. Collection method: clinical testing. Allele origin: germline.
Comment: This variant was observed in the ICSL laboratory as part of a predisposition screen in an ostensibly healthy population. It had not been previously curated by ICSL or reported in the Human Gene Mutation Database (HGMD: prior to June 1st, 2018), and was therefore a candidate for classification through an automated scoring system. Utilizing variant allele frequency, disease prevalence and penetrance estimates, and inheritance mode, an automated score was calculated to assess if this variant is too frequent to cause the disease. Based on the score and internal cut-off values, a variant classified as benign is not then subjected to further curation. The score for this variant resulted in a classification of benign for this disease.

Breakthrough Genomics
Classification: Benign. Review status: criteria provided, single submitter. Criteria: ACMG Guidelines, 2015. Collection method: not provided. Allele origin: germline. Inheritance: Autosomal dominant inheritance. Affected: yes.

NM_022489.4(INF2):c.*638G>A

Gene: INF2 (inverted formin 2; plus strand). Cytogenetic location: 14q32.33.
Variant type: single nucleotide variant.
Coding change: c.*638G>A on transcript NM_022489.4 (MANE Select); 638 bases downstream of the stop codon, G replaced by A.
Molecular consequence: 3 prime UTR variant.
Genome position (GRCh38, 1-based): chr14:104,719,431, G>A. VCF-style: chr14-104719431-G-A. GRCh37 (hg19) VCF-style: chr14-105185768-G-A.
Other names: c.*608G>A (NM_001031714.4).
Identifiers: ClinVar variation 881624 (VCV000881624.5), dbSNP rs191976493, ClinGen allele CA267333277.